The following is an entry in ClinVar:

NM_004612.4(TGFBR1):c.1256-13T>A

Gene: TGFBR1 (transforming growth factor beta receptor 1; plus strand). Cytogenetic location: 9q22.33.
Variant type: single nucleotide variant.
Coding change: c.1256-13T>A on transcript NM_004612.4 (MANE Select); 13 bases into the intron before coding-DNA position 1256, T replaced by A.
Molecular consequence: intron variant.
Genome position (GRCh38, 1-based): chr9:99,147,641, T>A. VCF-style: chr9-99147641-T-A. GRCh37 (hg19) VCF-style: chr9-101909923-T-A.
Other names: c.1268-13T>A (NM_001306210.2); c.1025-13T>A (NM_001130916.3).
Identifiers: ClinVar variation 213856 (VCV000213856.9), dbSNP rs200979110, ClinGen allele CA323302.

ClinVar aggregate classification (germline): Likely benign. Review status: criteria provided, multiple submitters, no conflicts (2 of 4 stars). 4 submissions from 4 submitters: Likely benign (4). Last evaluated 2025-06-03.

Conditions:
Loeys-Dietz syndrome (LDS). Identifiers: Orphanet 60030, MedGen C2697932, MONDO:0018954.
Familial thoracic aortic aneurysm and aortic dissection (TAAD). Also called: Thoracic aortic aneurysms and dissections. Identifiers: Orphanet 91387, MedGen C4707243, MONDO:0019625.

Allele frequency attached by ClinVar (database versions not stated): ExAC 0.00001; TOPMed 0.00001; gnomAD exomes 0.00002; gnomAD 0.00003.
gnomAD v4.1: 26 of 1,611,412 alleles (0.0016%); highest among the groups gnomAD compares: African/African-American, 0.0027%; no homozygotes.

Submissions (4):

Labcorp Genetics (formerly Invitae), Labcorp
Classification: Likely benign for Familial thoracic aortic aneurysm and aortic dissection. Last evaluated: 2025-06-03. Review status: criteria provided, single submitter. Criteria: Invitae Variant Classification Sherloc (09022015). Collection method: clinical testing. Allele origin: germline.

All of Us Research Program, National Institutes of Health
Classification: Likely benign for Loeys-Dietz syndrome. Last evaluated: 2023-11-20. Review status: criteria provided, single submitter. Criteria: ACMG Guidelines, 2015. Collection method: clinical testing. Allele origin: germline. Inheritance: Autosomal dominant inheritance. Observed: 7 variant alleles, 7 heterozygotes.
Comment: This study involves interpretation of variants in research participants for the purpose of population health screening. Participant phenotype was not available at the time of variant classification. Additional details can be found in publication PMID: 35346344, PMCID: PMC8962531

Color Diagnostics, LLC DBA Color Health
Classification: Likely benign for Familial thoracic aortic aneurysm and aortic dissection. Last evaluated: 2021-03-23. Review status: criteria provided, single submitter. Criteria: ACMG Guidelines, 2015. Collection method: clinical testing. Allele origin: germline.

GeneDx
Classification: Likely benign. Last evaluated: 2014-04-19. Review status: criteria provided, single submitter. Criteria: GeneDx Variant Classification (06012015). Collection method: clinical testing. Allele origin: germline. Affected: yes.
Comment: This variant is considered likely benign or benign based on one or more of the following criteria: it is a conservative change, it occurs at a poorly conserved position in the protein, it is predicted to be benign by multiple in silico algorithms, and/or has population frequency not consistent with disease.